The following is an entry in ClinVar:

NM_000548.5(TSC2):c.5159A>C (p.Asn1720Thr)

Gene: TSC2 (TSC complex subunit 2; plus strand). Cytogenetic location: 16p13.3.
Variant type: single nucleotide variant.
Coding change: c.5159A>C on transcript NM_000548.5 (MANE Select); coding-DNA position 5159, A replaced by C.
Protein change: p.Asn1720Thr; replaces asparagine 1720 with threonine.
Molecular consequence: missense variant.
Genome position (GRCh38, 1-based): chr16:2,088,138, A>C. VCF-style: chr16-2088138-A-C. GRCh37 (hg19) VCF-style: chr16-2138139-A-C.
Other names: p.N1720T:AAT>ACT; c.4958A>C, p.Asn1653Thr (NM_001077183.3); c.5090A>C, p.Asn1697Thr (NM_001114382.3); c.4850A>C, p.Asn1617Thr (NM_001318827.2); c.4814A>C, p.Asn1605Thr (NM_001318829.2); c.4427A>C, p.Asn1476Thr (NM_001318831.2); c.4991A>C, p.Asn1664Thr (NM_001318832.2); c.4961A>C, p.Asn1654Thr (NM_001363528.2); and 2 more; short protein forms N1720T, N1664T, N1617T, N1676T, N1697T, N1654T, N1476T, N1605T.
Identifiers: ClinVar variation 207759 (VCV000207759.2), dbSNP rs796053500, ClinGen allele CA319544.
Genomic context (GRCh38, chr16:2,088,138, plus strand): 5'-CCAAGATCGTGTCTGACCGCAACCTGCCCTTCGTGGCCCGCCAGATGGCCCTGCACGCAA[A>C]TGTGAGTGGGGGTGGGTCCAGGCGTGAGCTGGTGGGACAGGCCCAGGTGCCACCTGATAG-3'
Protein context (NP_000539.2, residues 1710-1730): FVARQMALHA[Asn1720Thr]MASQVHHSRS

ClinVar aggregate classification (germline): Uncertain significance (1 of 4 stars; one submission).

Submission:

GeneDx
Classification: Uncertain significance. Last evaluated: 2013-06-11. Review status: criteria provided, single submitter. Criteria: GeneDx Variant Classification (06012015). Collection method: clinical testing. Allele origin: germline. Affected: yes.
Comment: p.Asn1720Thr (AAT>ACT): c.5159 A>C in exon 40 of the TSC2 gene (NM_000548.3)The Asn1720Thr missense change has not been published as a mutation, nor has it been reported as a benign polymorphism to our knowledge. It was not observed in approximately 6,500 individuals of European and African American ancestry in the NHLBI Exome Sequencing Project, indicating it is not a common benign variant in these populations. A different missense substitution at the same position, Asn1720Lys, was previously identified in a patient with sporadic TSC and was reported as a variant of unknown significance (Au et al., 2007). The Asn1720 residue is located in the Rap-Gap domain at a highly conserved position, and missense mutations have been reported at nearby residues in association with TSC. Asn1720Thr is a conservative amino acid substitution as both Asparagine and Threonine are uncharged, polar residues. In silico algorithms are not consistent in their predictions of whether or not Asn1720Thr is damaging to the structure/function of the TSC2 protein. Therefore, based on the currently available information, it is unclear whether Asn1720Thr is a disease-causing mutation or a rare benign variant. The variant is found in INFANT-EPI panel(s).